The following is an entry in ClinVar:

NM_001370658.1(BTD):c.683T>C (p.Ile228Thr)

Gene: BTD (biotinidase; plus strand). Cytogenetic location: 3p25.1.
Variant type: single nucleotide variant.
Coding change: c.683T>C on transcript NM_001370658.1 (MANE Select); coding-DNA position 683, T replaced by C.
Protein change: p.Ile228Thr; replaces isoleucine 228 with threonine.
Molecular consequence: missense variant. On other transcripts: intron variant (1).
Genome position (GRCh38, 1-based): chr3:15,644,599, T>C. VCF-style: chr3-15644599-T-C. GRCh37 (hg19) VCF-style: chr3-15686106-T-C.
Other names: c.743T>C, p.Ile248Thr (NM_000060.4); c.683T>C, p.Ile228Thr (NM_001281723.4, NM_001281724.3, NM_001281725.3 and 18 more transcripts); c.399+2542T>C (NM_001370753.1); short protein forms I228T.
Identifiers: ClinVar variation 25037 (VCV000025037.26), dbSNP rs397514382, ClinGen allele CA278254.

ClinVar aggregate classification (germline): Pathogenic/Likely pathogenic. Review status: criteria provided, multiple submitters, no conflicts (2 of 4 stars). 7 submissions from 7 submitters: Pathogenic (1); Likely pathogenic (5). 1 of the submissions does not count toward it. Last evaluated 2025-06-18.

Conditions:
Biotinidase deficiency. Also called: BTD deficiency; Late-onset biotin-responsive multiple carboxylase deficiency; Biotin deficiency. Identifiers: Orphanet 79241, MedGen C0220754, MONDO:0009665, OMIM 253260.

Allele frequency attached by ClinVar (database versions not stated): TOPMed below 0.00001; gnomAD 0.00001; gnomAD exomes 0.00001 and 0.00002; ExAC 0.00002.
gnomAD v4.1: 6 of 1,614,116 alleles (0.00037%); highest among the groups gnomAD compares: Admixed American, 0.0067%; no homozygotes.

Submissions (7):

Women's Health and Genetics/Laboratory Corporation of America, LabCorp
Classification: Likely pathogenic for Biotinidase deficiency. Last evaluated: 2025-06-18. Review status: criteria provided, single submitter. Criteria: LabCorp Variant Classification Summary - May 2015. Collection method: clinical testing. Allele origin: germline.
Comment: Variant summary: BTD c.683T>C (p.Ile228Thr), also reported as c.743T>C (p.Ile248Thr), results in a non-conservative amino acid change in the encoded protein sequence. Algorithms developed to predict the effect of missense changes on protein structure and function all suggest that this variant is likely to be disruptive. The variant allele was found at a frequency of 2e-05 in 251456 control chromosomes. c.683T>C has been observed simple heterozygous, in the presumed or confirmed compound heterozygous state, or with 2 additional heterozygous variants (phase unknown) in individual(s) affected with clinical or biochemical features of Biotinidase Deficiency (example, Cowan_2012, Procter_2016, Jezela-Stanek_2022, Sharma_2024). In at least 1 individual, this variant was likely trans with a pathogenic variant. At least one publication reports experimental evidence evaluating an impact on protein function in patient confirmatory biochemical testing. The most pronounced variant effect results in <10% of normal activity in patient sample(s) (Cowan_2012). The following publications have been ascertained in the context of this evaluation (PMID: 22698809, 26810761, 35627187, 36684547, 38299772). ClinVar contains an entry for this variant (Variation ID: 25037). Based on the evidence outlined above, the variant was classified as likely pathogenic.

Labcorp Genetics (formerly Invitae), Labcorp
Classification: Pathogenic for Biotinidase deficiency. Last evaluated: 2025-04-07. Review status: criteria provided, single submitter. Criteria: Invitae Variant Classification Sherloc (09022015). Collection method: clinical testing. Allele origin: germline.
Comment: This sequence change replaces isoleucine, which is neutral and non-polar, with threonine, which is neutral and polar, at codon 248 of the BTD protein (p.Ile248Thr). This variant is present in population databases (rs397514382, gnomAD 0.003%). This missense change has been observed in individual(s) with biotinidase deficiency (PMID: 22698809, 26810761). ClinVar contains an entry for this variant (Variation ID: 25037). Invitae Evidence Modeling of protein sequence and biophysical properties (such as structural, functional, and spatial information, amino acid conservation, physicochemical variation, residue mobility, and thermodynamic stability) indicates that this missense variant is expected to disrupt BTD protein function with a positive predictive value of 95%. For these reasons, this variant has been classified as Pathogenic.

Quest Diagnostics Nichols Institute San Juan Capistrano
Classification: Likely pathogenic. Last evaluated: 2024-09-02. Review status: criteria provided, single submitter. Criteria: Quest Diagnostics criteria. Collection method: clinical testing. Allele origin: unknown.
Comment: The BTD c.743T>C (p.Ile248Thr) variant has been reported in the published literature in individuals with biotinidase deficiency (PMIDs: 26810761 (2016), 22698809 (2012)), including a newborn who also carried the Amish founder variant c.1330G>C (p.Asp444His) (PMID: 35627187 (2022)). The variant has been shown to result in low levels of biotinidise enzyme activity, however further experimental evidence is needed (PMID: 26810761 (2016), 22698809 (2012)). The frequency of this variant in the general population, 0.00002 (5/251456 chromosomes (Genome Aggregation Database)), is uninformative in the assessment of its pathogenicity. Analysis of this variant using bioinformatics tools for the prediction of the effect of amino acid changes on protein structure and function yielded predictions that this variant is damaging. Based on the available information, this variant is classified as likely pathogenic.

Fulgent Genetics
Classification: Likely pathogenic for Biotinidase deficiency. Last evaluated: 2024-05-06. Review status: criteria provided, single submitter. Criteria: ACMG Guidelines, 2015. Collection method: clinical testing. Allele origin: germline.

Baylor Genetics
Classification: Likely pathogenic for Biotinidase deficiency. Last evaluated: 2024-03-06. Review status: criteria provided, single submitter. Criteria: ACMG Guidelines, 2015. Collection method: clinical testing. Allele origin: unknown.

ARUP Laboratories, Molecular Genetics and Genomics, ARUP Laboratories
Classification: Likely pathogenic for Biotinidase deficiency. Last evaluated: 2019-05-23. Review status: criteria provided, single submitter. Criteria: ARUP Molecular Germline Variant Investigation Process. Collection method: clinical testing. Allele origin: germline.
Comment: The BTD c.743T>C; p.Ile248Thr variant (rs397514382) is reported in the literature in at least one individual affected with biotinidase deficiency who carried a second, pathogenic variant in BTD (Cowan 2012). This variant is reported in ClinVar (Variation ID: 25037), and is only observed on five alleles in the Genome Aggregation Database, indicating it is not a common polymorphism. The isoleucine at codon 248 is highly conserved, and computational analyses (SIFT, PolyPhen-2) predict that this variant is deleterious. Based on available information, this variant is considered to be likely pathogenic. References: Cowan TM et al. Increased incidence of profound biotinidase deficiency among Hispanic newborns in California. Mol Genet Metab. 2012 Aug;106(4):485-7.

Counsyl
Classification: Uncertain significance for Biotinidase deficiency. Last evaluated: 2017-11-14. Review status: no assertion criteria provided. Collection method: clinical testing. Allele origin: unknown. Not counted in ClinVar's aggregate classification.

Literature cited by the submitters: PubMed 26810761 (cited by 3 submitters); PubMed 22698809 (cited by 4 submitters); PubMed 35627187 (cited by Women's Health and Genetics/Laboratory Corporation of America, LabCorp and Quest Diagnostics Nichols Institute San Juan Capistrano); PubMed 36684547 (cited by Women's Health and Genetics/Laboratory Corporation of America, LabCorp); PubMed 38299772 (cited by Women's Health and Genetics/Laboratory Corporation of America, LabCorp).